The following is an entry in ClinVar:

ClinVar aggregate classification (germline): Uncertain significance. Review status: criteria provided, multiple submitters, no conflicts (2 of 4 stars). 2 submissions from 2 submitters: Uncertain significance (2). Last evaluated 2026-03-27.

Submissions (2):

GeneDx
Classification: Uncertain significance. Last evaluated: 2026-03-27. Review status: criteria provided, single submitter. Criteria: GeneDx Variant Classification Process June 2021. Collection method: clinical testing. Allele origin: germline.
Comment: Not observed at significant frequency in large population cohorts (gnomAD); In silico analysis suggests that this missense variant does not alter protein structure/function; Has not been previously published as pathogenic or benign to our knowledge

Women's Health and Genetics/Laboratory Corporation of America, LabCorp
Classification: Uncertain significance. Last evaluated: 2025-12-05. Review status: criteria provided, single submitter. Criteria: LabCorp Variant Classification Summary - May 2015. Collection method: clinical testing. Allele origin: germline.
Comment: Variant summary: MTSS2 c.2036G>A (p.Gly679Glu) results in a non-conservative amino acid change in the encoded protein sequence. Algorithms developed to predict the effect of missense changes on protein structure and function are either unavailable or do not agree on the potential impact of this missense change. The variant was absent in 148334 control chromosomes. The available data on variant occurrences in the general population are insufficient to allow any conclusion about variant significance. To our knowledge, no occurrence of c.2036G>A in individuals affected with MTSS2-related conditions and no experimental evidence demonstrating its impact on protein function have been reported. No submitters have cited clinical-significance assessments for this variant to ClinVar. Based on the evidence outlined above, the variant was classified as uncertain significance.

NM_138383.3(MTSS2):c.2036G>A (p.Gly679Glu)

Gene: MTSS2 (MTSS I-BAR domain containing 2; minus strand). Cytogenetic location: 16q22.1.
Variant type: single nucleotide variant.
Coding change: c.2036G>A on transcript NM_138383.3 (MANE Select); coding-DNA position 2036, G replaced by A.
Protein change: p.Gly679Glu; replaces glycine 679 with glutamic acid.
Molecular consequence: missense variant.
Genome position (GRCh38, 1-based): chr16:70,663,885, C>T on the plus strand (G>A on the coding strand, the complement: MTSS2 is on the minus strand). VCF-style: chr16-70663885-C-T. GRCh37 (hg19) VCF-style: chr16-70697788-C-T.
Other names: c.2036G>A (NM_138383.2); short protein forms G679E.
Identifiers: ClinVar variation 4688541 (VCV004688541.2).